The following is an entry in ClinVar:

ClinVar aggregate classification (germline): Conflicting classifications of pathogenicity. Review status: criteria provided, conflicting classifications (1 of 4 stars). 3 submissions from 3 submitters: Uncertain significance (2); Likely benign (1). Last evaluated 2023-03-23.

Conditions:
Hereditary cancer-predisposing syndrome. Also called: Hereditary neoplastic syndrome; Neoplastic Syndromes, Hereditary; Tumor predisposition; Hereditary Cancer Syndrome. Identifiers: Orphanet 140162, MedGen C0027672, MeSH D009386, MONDO:0015356.
Hereditary breast ovarian cancer syndrome. Also called: BRCA1- and BRCA2-Associated Hereditary Breast and Ovarian Cancer; Hereditary breast and ovarian cancer; Hereditary breast and/or ovarian cancer syndrome; Hereditary breast and ovarian cancer syndrome (HBOC); Breast and ovarian cancer; Hereditary breast and ovarian cancer syndrome. Identifiers: Orphanet 145, MedGen C0677776, MeSH D061325, MONDO:0003582. Disease mechanism: loss of function.

Submissions (3):

University of Washington Department of Laboratory Medicine, University of Washington
Classification: Likely benign for Hereditary cancer-predisposing syndrome. Last evaluated: 2023-03-23. Review status: criteria provided, single submitter. Criteria: Dines et al. (Genet Med. 2020). Collection method: curation. Allele origin: germline.
Comment: Missense variant in a coldspot region where missense variants are very unlikely to be pathogenic (PMID:31911673).

BRCA1 coldspot (exon 11 using historical exon numbering). Reclassification based on statistical prior probability

Ambry Genetics
Classification: Uncertain significance for Hereditary cancer-predisposing syndrome. Last evaluated: 2022-09-01. Review status: criteria provided, single submitter. Criteria: Ambry Variant Classification Scheme 2023. Collection method: clinical testing. Allele origin: germline.
Comment: The p.N969Y variant (also known as c.2905A>T), located in coding exon 9 of the BRCA1 gene, results from an A to T substitution at nucleotide position 2905. The asparagine at codon 969 is replaced by tyrosine, an amino acid with dissimilar properties. This amino acid position is conserved. In addition, the in silico prediction for this alteration is inconclusive. Since supporting evidence is limited at this time, the clinical significance of this alteration remains unclear.

Labcorp Genetics (formerly Invitae), Labcorp
Classification: Uncertain significance for Hereditary breast ovarian cancer syndrome. Last evaluated: 2021-02-16. Review status: criteria provided, single submitter. Criteria: Invitae Variant Classification Sherloc (09022015). Collection method: clinical testing. Allele origin: germline.
Comment: This sequence change replaces asparagine with tyrosine at codon 969 of the BRCA1 protein (p.Asn969Tyr). The asparagine residue is moderately conserved and there is a large physicochemical difference between asparagine and tyrosine. In summary, the available evidence is currently insufficient to determine the role of this variant in disease. Therefore, it has been classified as a Variant of Uncertain Significance. Advanced modeling of protein sequence and biophysical properties (such as structural, functional, and spatial information, amino acid conservation, physicochemical variation, residue mobility, and thermodynamic stability) performed at Invitae indicates that this missense variant is not expected to disrupt BRCA1 protein function. This variant has not been reported in the literature in individuals with BRCA1-related conditions. This variant is not present in population databases (ExAC no frequency).

NM_007294.4(BRCA1):c.2905A>T (p.Asn969Tyr)

Gene: BRCA1 (BRCA1 DNA repair associated; minus strand). Cytogenetic location: 17q21.31.
Variant type: single nucleotide variant.
Coding change: c.2905A>T on transcript NM_007294.4 (MANE Select); coding-DNA position 2905, A replaced by T.
Protein change: p.Asn969Tyr; replaces asparagine 969 with tyrosine.
Molecular consequence: missense variant. On other transcripts: intron variant (137).
Genome position (GRCh38, 1-based): chr17:43,092,626, T>A on the plus strand (A>T on the coding strand, the complement: BRCA1 is on the minus strand). VCF-style: chr17-43092626-T-A. GRCh37 (hg19) VCF-style: chr17-41244643-T-A.
Other names: c.2902A>T, p.Asn968Tyr (NM_001407628.1, NM_001407629.1, NM_001407630.1 and 22 more transcripts); c.2896A>T, p.Asn966Tyr (NM_001407647.1, NM_001407646.1); c.2782A>T, p.Asn928Tyr (NM_001407648.1, NM_001407668.1, NM_001407669.1 and 19 more transcripts); c.2779A>T, p.Asn927Tyr (NM_001407649.1, NM_001407670.1, NM_001407671.1 and 11 more transcripts); c.2905A>T, p.Asn969Tyr (NM_001407652.1, NM_001407617.1, NM_001407618.1 and 30 more transcripts); c.2827A>T, p.Asn943Tyr (NM_001407653.1, NM_001407654.1, NM_001407656.1 and 4 more transcripts); c.2764A>T, p.Asn922Tyr (NM_001407692.1, NM_001407694.1, NM_001407695.1 and 29 more transcripts); c.2824A>T, p.Asn942Tyr (NM_001407659.1, NM_001407660.1, NM_001407661.1 and 1 more transcripts); and 41 more; short protein forms N922Y, N969Y, N841Y, N842Y, N858Y, N881Y, N902Y, N927Y.
Identifiers: ClinVar variation 1510721 (VCV001510721.13), dbSNP rs587781641, ClinGen allele CA10596183.